The following is an entry in ClinVar:

NM_015443.4(KANSL1):c.1738G>C (p.Val580Leu)

Gene: KANSL1 (KAT8 regulatory NSL complex subunit 1). Cytogenetic location: 17q21.31.
Variant type: single nucleotide variant.
Coding change: c.1738G>C on transcript NM_015443.4 (MANE Select); coding-DNA position 1738, G replaced by C.
Protein change: p.Val580Leu; replaces valine 580 with leucine.
Molecular consequence: missense variant.
Genome position (GRCh38, 1-based): chr17:46,066,647, C>G on the plus strand (G>C on the coding strand, the complement: KANSL1 is on the minus strand). VCF-style: chr17-46066647-C-G. GRCh37 (hg19) VCF-style: chr17-44144013-C-G.
Other names: c.1738G>C, p.Val580Leu (NM_001193465.2, NM_001193466.2, NM_001379198.1); short protein forms V580L.
Identifiers: ClinVar variation 384601 (VCV000384601.1), dbSNP rs117412152, ClinGen allele CA8618738.

ClinVar aggregate classification (germline): Likely benign (1 of 4 stars; one submission).

gnomAD v4.1: 2 of 1,614,148 alleles (0.00012%); highest among the groups gnomAD compares: Non-Finnish European, 0.00017%; no homozygotes.

Submission:

GeneDx
Classification: Likely benign. Last evaluated: 2016-03-22. Review status: criteria provided, single submitter. Criteria: GeneDx Variant Classification (06012015). Collection method: clinical testing. Allele origin: germline. Affected: yes.
Comment: This variant is considered likely benign or benign based on one or more of the following criteria: it is a conservative change, it occurs at a poorly conserved position in the protein, it is predicted to be benign by multiple in silico algorithms, and/or has population frequency not consistent with disease.